The following is an entry in ClinVar:

ClinVar aggregate classification (germline): Uncertain significance (1 of 4 stars; one submission).

Submission:

Labcorp Genetics (formerly Invitae), Labcorp
Classification: Uncertain significance. Last evaluated: 2024-11-07. Review status: criteria provided, single submitter. Criteria: Invitae Variant Classification Sherloc (09022015). Collection method: clinical testing. Allele origin: germline.
Comment: This sequence change replaces proline, which is neutral and non-polar, with arginine, which is basic and polar, at codon 732 of the ERCC6L2 protein (p.Pro732Arg). This variant is not present in population databases (gnomAD no frequency). This variant has not been reported in the literature in individuals affected with ERCC6L2-related conditions. Experimental studies and prediction algorithms are not available or were not evaluated, and the functional significance of this variant is currently unknown. In summary, the available evidence is currently insufficient to determine the role of this variant in disease. Therefore, it has been classified as a Variant of Uncertain Significance.

NM_020207.7(ERCC6L2):c.2162C>G (p.Pro721Arg)

Gene: ERCC6L2 (ERCC excision repair 6 like 2; plus strand). Cytogenetic location: 9q22.32.
Variant type: single nucleotide variant.
Coding change: c.2162C>G on transcript NM_020207.7 (MANE Select); coding-DNA position 2162, C replaced by G.
Protein change: p.Pro721Arg; replaces proline 721 with arginine.
Molecular consequence: missense variant. On other transcripts: non-coding transcript variant (1).
Genome position (GRCh38, 1-based): chr9:95,970,637, C>G. VCF-style: chr9-95970637-C-G. GRCh37 (hg19) VCF-style: chr9-98732919-C-G.
Other names: c.2162C>G, p.Pro721Arg (NM_001375291.1, NM_001375292.1, NM_001375293.1 and 1 more transcripts); short protein forms P721R.
Identifiers: ClinVar variation 3674452 (VCV003674452.2).